The following is an entry in ClinVar:

NM_001190787.3(MCIDAS):c.856G>A (p.Glu286Lys)

Gene: MCIDAS (multiciliate differentiation and DNA synthesis associated cell cycle protein; minus strand). Cytogenetic location: 5q11.2.
Variant type: single nucleotide variant.
Coding change: c.856G>A on transcript NM_001190787.3 (MANE Select); coding-DNA position 856, G replaced by A.
Protein change: p.Glu286Lys; replaces glutamic acid 286 with lysine.
Molecular consequence: missense variant.
Genome position (GRCh38, 1-based): chr5:55,220,668, C>T on the plus strand (G>A on the coding strand, the complement: MCIDAS is on the minus strand). VCF-style: chr5-55220668-C-T. GRCh37 (hg19) VCF-style: chr5-54516496-C-T.
Other names: short protein forms E286K.
Identifiers: ClinVar variation 238623 (VCV000238623.16), dbSNP rs185737637, ClinGen allele CA3266550.

ClinVar aggregate classification (germline): Conflicting classifications of pathogenicity. Review status: criteria provided, conflicting classifications (1 of 4 stars). 5 submissions from 5 submitters: Uncertain significance (1); Likely benign (3). 1 of the submissions does not count toward it. Last evaluated 2026-01-12.

Conditions:
Ciliary dyskinesia, primary, 42. Also called: CILIARY DYSKINESIA, PRIMARY, 42, WITHOUT SITUS INVERSUS. Identifiers: MedGen C5231464, MONDO:0032872, OMIM 618695.
MCIDAS-related disorder. Also called: MCIDAS-related condition.
Primary ciliary dyskinesia. Also called: Ciliary dyskinesia. Identifiers: Orphanet 244, MedGen C0008780, MONDO:0016575, HP:0012265.

Allele frequency attached by ClinVar (database versions not stated): gnomAD 0.00207; TOPMed 0.00241; 1000 Genomes Project 30x 0.00312; 1000 Genomes Project 0.00319.

Submissions (5):

Labcorp Genetics (formerly Invitae), Labcorp
Classification: Likely benign for Primary ciliary dyskinesia. Last evaluated: 2026-01-12. Review status: criteria provided, single submitter. Criteria: Invitae Variant Classification Sherloc (09022015). Collection method: clinical testing. Allele origin: germline.

Blueprint Genetics
Classification: Likely benign. Last evaluated: 2024-11-13. Review status: criteria provided, single submitter. Criteria: ACMG Guidelines, 2015. Collection method: clinical testing. Allele origin: germline.

Department of Pathology and Laboratory Medicine, Sinai Health System
Classification: Uncertain significance for Ciliary dyskinesia, primary, 42. Last evaluated: 2021-07-30. Review status: criteria provided, single submitter. Criteria: ACMG Guidelines, 2015. Collection method: research. Allele origin: germline.

Breakthrough Genomics
Classification: Likely benign. Review status: criteria provided, single submitter. Criteria: ACMG Guidelines, 2015. Collection method: not provided. Allele origin: germline. Inheritance: Autosomal recessive inheritance. Affected: yes.

PreventionGenetics, part of Exact Sciences
Classification: Benign for MCIDAS-related condition. Last evaluated: 2019-09-12. Review status: no assertion criteria provided. Collection method: clinical testing. Allele origin: germline. Not counted in ClinVar's aggregate classification.
Comment: This variant is classified as benign based on ACMG/AMP sequence variant interpretation guidelines (Richards et al. 2015 PMID: 25741868, with internal and published modifications).